The following is an entry in ClinVar:

NM_181486.4(TBX5):c.635T>G (p.Ile212Arg)

Gene: TBX5 (T-box transcription factor 5; minus strand). Cytogenetic location: 12q24.21.
Variant type: single nucleotide variant.
Coding change: c.635T>G on transcript NM_181486.4 (MANE Select); coding-DNA position 635, T replaced by G.
Protein change: p.Ile212Arg; replaces isoleucine 212 with arginine.
Molecular consequence: missense variant.
Genome position (GRCh38, 1-based): chr12:114,394,769, A>C on the plus strand (T>G on the coding strand, the complement: TBX5 is on the minus strand). VCF-style: chr12-114394769-A-C. GRCh37 (hg19) VCF-style: chr12-114832574-A-C.
Other names: c.635T>G, p.Ile212Arg (NM_000192.3); c.485T>G, p.Ile162Arg (NM_080717.4); short protein forms I162R, I212R.
Identifiers: ClinVar variation 1753060 (VCV001753060.2), dbSNP rs2540466892, ClinGen allele CA386861341.

ClinVar aggregate classification (germline): Uncertain significance (1 of 4 stars; one submission).

Conditions:
Cardiovascular phenotype. Identifiers: MedGen CN230736.

Submission:

Ambry Genetics
Classification: Uncertain significance for Cardiovascular phenotype. Last evaluated: 2020-07-07. Review status: criteria provided, single submitter. Criteria: Ambry Variant Classification Scheme 2023. Collection method: clinical testing. Allele origin: germline.
Comment: The p.I212R variant (also known as c.635T>G), located in coding exon 5 of the TBX5 gene, results from a T to G substitution at nucleotide position 635. The isoleucine at codon 212 is replaced by arginine, an amino acid with similar properties. This amino acid position is highly conserved in available vertebrate species. In addition, this alteration is predicted to be deleterious by in silico analysis. Since supporting evidence is limited at this time, the clinical significance of this alteration remains unclear.